The following is an entry in ClinVar:

ClinVar aggregate classification (germline): Uncertain significance (1 of 4 stars; one submission).

Conditions:
Brugada syndrome 5 (BRGDA5). Identifiers: Orphanet 130, Orphanet 871, MedGen C2748541, MONDO:0013015, OMIM 612838.

Allele frequency attached by ClinVar (database versions not stated): ExAC 0.00001; gnomAD exomes 0.00001 and 0.00002.
gnomAD v4.1: 14 of 1,614,178 alleles (0.00087%); highest among the groups gnomAD compares: Admixed American, 0.0033%; no homozygotes.

Submission:

Labcorp Genetics (formerly Invitae), Labcorp
Classification: Uncertain significance for Brugada syndrome 5. Last evaluated: 2023-12-15. Review status: criteria provided, single submitter. Criteria: Invitae Variant Classification Sherloc (09022015). Collection method: clinical testing. Allele origin: germline.
Comment: This sequence change replaces glutamic acid, which is acidic and polar, with lysine, which is basic and polar, at codon 120 of the SCN1B protein (p.Glu120Lys). This variant is present in population databases (rs772112038, gnomAD 0.006%). This variant has not been reported in the literature in individuals affected with SCN1B-related conditions. ClinVar contains an entry for this variant (Variation ID: 1039629). An algorithm developed to predict the effect of missense changes on protein structure and function (PolyPhen-2) suggests that this variant is likely to be tolerated. In summary, the available evidence is currently insufficient to determine the role of this variant in disease. Therefore, it has been classified as a Variant of Uncertain Significance.

NM_001037.5(SCN1B):c.358G>A (p.Glu120Lys)

Gene: SCN1B (sodium voltage-gated channel beta subunit 1; plus strand). Cytogenetic location: 19q13.11.
Variant type: single nucleotide variant.
Coding change: c.358G>A on transcript NM_001037.5 (MANE Select); coding-DNA position 358, G replaced by A.
Protein change: p.Glu120Lys; replaces glutamic acid 120 with lysine.
Molecular consequence: missense variant.
Genome position (GRCh38, 1-based): chr19:35,033,649, G>A. VCF-style: chr19-35033649-G-A. GRCh37 (hg19) VCF-style: chr19-35524553-G-A.
Other names: c.259G>A, p.Glu87Lys (NM_001321605.2); c.358G>A, p.Glu120Lys (NM_199037.5); short protein forms E87K, E120K.
Identifiers: ClinVar variation 1039629 (VCV001039629.8), dbSNP rs772112038, ClinGen allele CA9372006.